The following is an entry in ClinVar:

ClinVar aggregate classification (germline): Uncertain significance. Review status: criteria provided, multiple submitters, no conflicts (2 of 4 stars). 2 submissions from 2 submitters: Uncertain significance (2). Last evaluated 2025-02-19.

Allele frequency attached by ClinVar (database versions not stated): gnomAD exomes 0.00003; ExAC 0.00012; gnomAD 0.00025; ESP Exome Variant Server 0.00031; TOPMed 0.00036.
gnomAD v4.1: 92 of 1,612,994 alleles (0.0057%); highest among the groups gnomAD compares: African/African-American, 0.072%; no homozygotes.

Submissions (2):

Labcorp Genetics (formerly Invitae), Labcorp
Classification: Uncertain significance. Last evaluated: 2025-02-19. Review status: criteria provided, single submitter. Criteria: Invitae Variant Classification Sherloc (09022015). Collection method: clinical testing. Allele origin: germline.
Comment: This sequence change replaces arginine, which is basic and polar, with histidine, which is basic and polar, at codon 852 of the ATP4A protein (p.Arg852His). This variant is present in population databases (rs145740755, gnomAD 0.09%), and has an allele count higher than expected for a pathogenic variant. This variant has not been reported in the literature in individuals affected with ATP4A-related conditions. ClinVar contains an entry for this variant (Variation ID: 3131633). Invitae Evidence Modeling of protein sequence and biophysical properties (such as structural, functional, and spatial information, amino acid conservation, physicochemical variation, residue mobility, and thermodynamic stability) indicates that this missense variant is not expected to disrupt ATP4A protein function with a negative predictive value of 80%. In summary, the available evidence is currently insufficient to determine the role of this variant in disease. Therefore, it has been classified as a Variant of Uncertain Significance.

Ambry Genetics
Classification: Uncertain significance. Last evaluated: 2023-10-02. Review status: criteria provided, single submitter. Criteria: Ambry Variant Classification Scheme 2023. Collection method: clinical testing. Allele origin: germline.

NM_000704.3(ATP4A):c.2555G>A (p.Arg852His)

Gene: ATP4A (ATPase H+/K+ transporting subunit alpha; minus strand). Cytogenetic location: 19q13.12.
Variant type: single nucleotide variant.
Coding change: c.2555G>A on transcript NM_000704.3 (MANE Select); coding-DNA position 2555, G replaced by A.
Protein change: p.Arg852His; replaces arginine 852 with histidine.
Molecular consequence: missense variant.
Genome position (GRCh38, 1-based): chr19:35,553,756, C>T on the plus strand (G>A on the coding strand, the complement: ATP4A is on the minus strand). VCF-style: chr19-35553756-C-T. GRCh37 (hg19) VCF-style: chr19-36044658-C-T.
Other names: short protein forms R852H.
Identifiers: ClinVar variation 3131633 (VCV003131633.2), dbSNP rs145740755, ClinGen allele CA9380753.